The following is an entry in ClinVar:

ClinVar aggregate classification (germline): Likely benign (1 of 4 stars; one submission).

Allele frequency attached by ClinVar (database versions not stated): ExAC 0.00004.
gnomAD v4.1: 81 of 1,613,532 alleles (0.005%); highest among the groups gnomAD compares: Middle Eastern, 0.049%; no homozygotes.

Submission:

CeGaT Center for Human Genetics Tuebingen
Classification: Likely benign. Last evaluated: 2022-10-01. Review status: criteria provided, single submitter. Criteria: CeGaT Center For Human Genetics Tuebingen Variant Classification Criteria Version 2. Collection method: clinical testing. Allele origin: germline. Affected: yes. Observed: 1 variant allele.
Comment: HERC2: BP4, BP7

NM_004667.6(HERC2):c.2487C>T (p.Ala829=)

Gene: HERC2 (HECT and RLD domain containing E3 ubiquitin protein ligase 2; minus strand). Cytogenetic location: 15q13.1.
Variant type: single nucleotide variant.
Coding change: c.2487C>T on transcript NM_004667.6 (MANE Select); coding-DNA position 2487, C replaced by T.
Protein change: p.Ala829=; no amino-acid change (alanine 829 retained).
Molecular consequence: synonymous variant.
Genome position (GRCh38, 1-based): chr15:28,257,091, G>A on the plus strand (C>T on the coding strand, the complement: HERC2 is on the minus strand). VCF-style: chr15-28257091-G-A. GRCh37 (hg19) VCF-style: chr15-28502237-G-A.
Identifiers: ClinVar variation 2645076 (VCV002645076.24), dbSNP rs768763663, ClinGen allele CA7443197.